The following is an entry in ClinVar:

ClinVar aggregate classification (germline): Uncertain significance (1 of 4 stars; one submission).

Conditions:
Early-infantile DEE. Also called: Early infantile epileptic encephalopathy; Ohtahara syndrome; Early infantile epileptic encephalopathy with suppression bursts. Identifiers: Orphanet 1934, MedGen C0393706, MONDO:0800491.

Allele frequency attached by ClinVar (database versions not stated): TOPMed 0.00001.

Submission:

Labcorp Genetics (formerly Invitae), Labcorp
Classification: Uncertain significance for Early-infantile DEE. Last evaluated: 2024-05-15. Review status: criteria provided, single submitter. Criteria: Invitae Variant Classification Sherloc (09022015). Collection method: clinical testing. Allele origin: germline.
Comment: This sequence change falls in intron 20 of the SCN1A gene. It does not directly change the encoded amino acid sequence of the SCN1A protein. However, this sequence change falls within a region encompassing a cryptic exon in the SCN1A gene, in which variants have been shown to alter splicing (PMID: 30526861, 34107977). This variant is not present in population databases (gnomAD no frequency). This variant has not been reported in the literature in individuals affected with SCN1A-related conditions. ClinVar contains an entry for this variant (Variation ID: 1967466). Algorithms developed to predict the effect of sequence changes on RNA splicing suggest that this variant is not likely to affect RNA splicing. In summary, the available evidence is currently insufficient to determine the role of this variant in disease. Therefore, it has been classified as a Variant of Uncertain Significance.

Literature cited by the submitters: PubMed 30526861; PubMed 34107977.

NM_001165963.4(SCN1A):c.4002+2033G>C

Genes: SCN1A (sodium voltage-gated channel alpha subunit 1; minus strand), LOC102724058 (uncharacterized LOC102724058; plus strand). Cytogenetic location: 2q24.3.
Variant type: single nucleotide variant.
Coding change: c.4002+2033G>C on transcript NM_001165963.4 (MANE Select); 2033 bases into the intron after coding-DNA position 4002, G replaced by C.
Molecular consequence: intron variant.
Genome position (GRCh38, 1-based): chr2:166,007,686, C>G on the plus strand (G>C on the coding strand, the complement: SCN1A is on the minus strand). VCF-style: chr2-166007686-C-G. GRCh37 (hg19) VCF-style: chr2-166864196-C-G.
Other names: c.3969+2033G>C (NM_001353949.2, NM_001353950.2, NM_001353951.2 and 2 more transcripts); c.3918+2033G>C (NM_001353958.2, NM_001353957.2, NM_001165964.3); c.4002+2033G>C (NM_001202435.3, NM_001353948.2); c.3966+2033G>C (NM_001353955.2, NM_001353954.2); c.3915+2033G>C (NM_001353960.2); c.1560+2033G>C (NM_001353961.2).
Identifiers: ClinVar variation 1967466 (VCV001967466.5), dbSNP rs1437455862, ClinGen allele CA760220940.